The following is an entry in ClinVar:

ClinVar aggregate classification (germline): Benign/Likely benign. Review status: criteria provided, multiple submitters, no conflicts (2 of 4 stars). 8 submissions from 8 submitters: Benign (4); Likely benign (3). 1 of the submissions does not count toward it. Last evaluated 2026-07-01.

Conditions:
Usher syndrome type 1 (USH1). Also called: RETINITIS PIGMENTOSA AND CONGENITAL DEAFNESS. Identifiers: Orphanet 231169, Orphanet 886, MedGen C1568247, MONDO:0010168, OMIM 276900.

Allele frequency attached by ClinVar (database versions not stated): ExAC 0.00114; gnomAD 0.00368 and 0.00354; ESP Exome Variant Server 0.00372; 1000 Genomes Project 0.00519; TOPMed 0.00402; 1000 Genomes Project 30x 0.00531.
gnomAD v4.1: 988 of 1,613,894 alleles (0.061%); highest among the groups gnomAD compares: African/African-American, 1.2%; 2 homozygotes.

Submissions (8):

CeGaT Center for Human Genetics Tuebingen
Classification: Likely benign. Last evaluated: 2026-07-01. Review status: criteria provided, single submitter. Criteria: CeGaT Center For Human Genetics Tuebingen Variant Classification Criteria Version 2. Collection method: clinical testing. Allele origin: germline. Affected: yes. Observed: 1 variant allele.
Comment: CDH23: BP4, BS1

Labcorp Genetics (formerly Invitae), Labcorp
Classification: Benign. Last evaluated: 2026-02-02. Review status: criteria provided, single submitter. Criteria: Invitae Variant Classification Sherloc (09022015). Collection method: clinical testing. Allele origin: germline.

Blueprint Genetics
Classification: Likely benign. Last evaluated: 2024-11-11. Review status: criteria provided, single submitter. Criteria: ACMG Guidelines, 2015. Collection method: clinical testing. Allele origin: germline.

GeneDx
Classification: Likely benign. Last evaluated: 2018-04-02. Review status: criteria provided, single submitter. Criteria: GeneDx Variant Classification (06012015). Collection method: clinical testing. Allele origin: germline. Affected: yes.
Comment: This variant is considered likely benign or benign based on one or more of the following criteria: it is a conservative change, it occurs at a poorly conserved position in the protein, it is predicted to be benign by multiple in silico algorithms, and/or has population frequency not consistent with disease.

ARUP Laboratories, Molecular Genetics and Genomics, ARUP Laboratories
Classification: Benign. Last evaluated: 2017-07-18. Review status: criteria provided, single submitter. Criteria: ARUP Molecular Germline Variant Investigation Process. Collection method: clinical testing. Allele origin: germline.

Eurofins Ntd Llc (ga)
Classification: Benign. Last evaluated: 2014-09-03. Review status: criteria provided, single submitter. Criteria: EGL Classification Definitions 2015. Collection method: clinical testing. Allele origin: germline. Observed: 1 variant allele, 1 heterozygote.

Laboratory for Molecular Medicine, Mass General Brigham Personalized Medicine
Classification: Benign. Last evaluated: 2014-03-15. Review status: criteria provided, single submitter. Criteria: LMM Criteria. Collection method: clinical testing. Allele origin: germline. Observed: 8 variant alleles.
Comment: Ile2199Asn in Exon 48 of CDH23: This variant is not expected to have clinical si gnificance because it has been identified in 1.1% (48/4360) of African American chromosomes by the NHLBI Exome Sequencing Project (EVS/) and 1.9% (9/481) of African or African American chromosomes by the 1000 Ge nome Project (dbSNP rs111033494).

Natera, Inc.
Classification: Likely benign for Usher syndrome type 1. Last evaluated: 2019-10-23. Review status: no assertion criteria provided. Collection method: clinical testing. Allele origin: germline. Not counted in ClinVar's aggregate classification.

NM_022124.6(CDH23):c.6596T>A (p.Ile2199Asn)

Gene: CDH23 (cadherin related 23; plus strand). Cytogenetic location: 10q22.1.
Variant type: single nucleotide variant.
Coding change: c.6596T>A on transcript NM_022124.6 (MANE Select); coding-DNA position 6596, T replaced by A.
Protein change: p.Ile2199Asn; replaces isoleucine 2199 with asparagine.
Molecular consequence: missense variant.
Genome position (GRCh38, 1-based): chr10:71,793,524, T>A. VCF-style: chr10-71793524-T-A. GRCh37 (hg19) VCF-style: chr10-73553281-T-A.
Other names: short protein forms I2199N.
Identifiers: ClinVar variation 46013 (VCV000046013.29), dbSNP rs111033494, ClinGen allele CA137539.